The following is an entry in ClinVar:

NM_006939.4(SOS2):c.3862C>T (p.Pro1288Ser)

Gene: SOS2 (SOS Ras/Rho guanine nucleotide exchange factor 2; minus strand). Cytogenetic location: 14q21.3.
Variant type: single nucleotide variant.
Coding change: c.3862C>T on transcript NM_006939.4 (MANE Select); coding-DNA position 3862, C replaced by T.
Protein change: p.Pro1288Ser; replaces proline 1288 with serine.
Molecular consequence: missense variant.
Genome position (GRCh38, 1-based): chr14:50,118,481, G>A on the plus strand (C>T on the coding strand, the complement: SOS2 is on the minus strand). VCF-style: chr14-50118481-G-A. GRCh37 (hg19) VCF-style: chr14-50585199-G-A.
Other names: p.Pro1288Ser; c.3763C>T, p.Pro1255Ser (NM_001411020.1); short protein forms P1255S, P1288S.
Identifiers: ClinVar variation 2683251 (VCV002683251.4), dbSNP rs900986254, ClinGen allele CA260703915.

ClinVar aggregate classification (germline): Uncertain significance. Review status: criteria provided, multiple submitters, no conflicts (2 of 4 stars). 2 submissions from 2 submitters: Uncertain significance (2). Last evaluated 2025-08-12.

Conditions:
Noonan syndrome 9 (NS9). Identifiers: Orphanet 648, MedGen C4225282, MONDO:0014691, OMIM 616559.

Allele frequency attached by ClinVar (database versions not stated): gnomAD exomes 0.00001.
gnomAD v4.1: 15 of 1,614,116 alleles (0.00093%); highest among the groups gnomAD compares: Non-Finnish European, 0.0013%; no homozygotes.

Submissions (2):

Labcorp Genetics (formerly Invitae), Labcorp
Classification: Uncertain significance for Noonan syndrome 9. Last evaluated: 2025-08-12. Review status: criteria provided, single submitter. Criteria: Invitae Variant Classification Sherloc (09022015). Collection method: clinical testing. Allele origin: germline.
Comment: This sequence change replaces proline, which is neutral and non-polar, with serine, which is neutral and polar, at codon 1288 of the SOS2 protein (p.Pro1288Ser). This variant is present in population databases (no rsID available, gnomAD 0.002%). This variant has not been reported in the literature in individuals affected with SOS2-related conditions. ClinVar contains an entry for this variant (Variation ID: 2683251). Invitae Evidence Modeling of protein sequence and biophysical properties (such as structural, functional, and spatial information, amino acid conservation, physicochemical variation, residue mobility, and thermodynamic stability) indicates that this missense variant is not expected to disrupt SOS2 protein function with a negative predictive value of 95%. In summary, the available evidence is currently insufficient to determine the role of this variant in disease. Therefore, it has been classified as a Variant of Uncertain Significance.

Mayo Clinic Laboratories, Mayo Clinic
Classification: Uncertain significance. Last evaluated: 2023-03-30. Review status: criteria provided, single submitter. Criteria: ACMG Guidelines, 2015. Collection method: clinical testing. Allele origin: germline. Observed: 1 variant allele.
Comment: BP4